The following is an entry in ClinVar:

NM_012418.4(FSCN2):c.1258G>A (p.Ala420Thr)

Gene: FSCN2 (fascin actin-bundling protein 2, retinal; plus strand). Cytogenetic location: 17q25.3.
Variant type: single nucleotide variant.
Coding change: c.1258G>A on transcript NM_012418.4 (MANE Select); coding-DNA position 1258, G replaced by A.
Protein change: p.Ala420Thr; replaces alanine 420 with threonine.
Molecular consequence: missense variant.
Genome position (GRCh38, 1-based): chr17:81,536,774, G>A. VCF-style: chr17-81536774-G-A. GRCh37 (hg19) VCF-style: chr17-79503800-G-A.
Other names: c.1330G>A, p.Ala444Thr (NM_001077182.3); short protein forms A420T, A444T.
Identifiers: ClinVar variation 1933009 (VCV001933009.5), dbSNP rs776830932, ClinGen allele CA8837052.
Genomic context (GRCh38, chr17:81,536,774, plus strand): 5'-AACCAGCTGGACACCAACCGCTCCGTCTACGACGTCTTCCACCTGAGCTTCAGCGACGGC[G>A]CCTACCGGATCCGAGGTGCGTGGCGGGGCGGGTGGGCACGCGGGAGCGGGGGTGGCAGCG-3'
Protein context (NP_036550.1, residues 410-430): DVFHLSFSDG[Ala420Thr]YRIRGRDGGF

ClinVar aggregate classification (germline): Uncertain significance (1 of 4 stars; one submission).

Allele frequency attached by ClinVar (database versions not stated): ExAC 0.00001; gnomAD 0.00001; gnomAD exomes 0.00001; TOPMed 0.00001.
gnomAD v4.1: 17 of 1,602,318 alleles (0.0011%); highest among the groups gnomAD compares: Non-Finnish European, 0.0013%; no homozygotes.

Submission:

Labcorp Genetics (formerly Invitae), Labcorp
Classification: Uncertain significance. Last evaluated: 2022-07-27. Review status: criteria provided, single submitter. Criteria: Invitae Variant Classification Sherloc (09022015). Collection method: clinical testing. Allele origin: germline.
Comment: In summary, the available evidence is currently insufficient to determine the role of this variant in disease. Therefore, it has been classified as a Variant of Uncertain Significance. Algorithms developed to predict the effect of missense changes on protein structure and function are either unavailable or do not agree on the potential impact of this missense change (SIFT: "Tolerated"; PolyPhen-2: "Possibly Damaging"; Align-GVGD: "Class C0"). This variant has not been reported in the literature in individuals affected with FSCN2-related conditions. The frequency data for this variant in the population databases is considered unreliable, as metrics indicate poor data quality at this position in the gnomAD database. This sequence change replaces alanine, which is neutral and non-polar, with threonine, which is neutral and polar, at codon 444 of the FSCN2 protein (p.Ala444Thr).